The following is an entry in ClinVar:

NM_004006.3(DMD):c.917A>C (p.Tyr306Ser)

Gene: DMD (dystrophin; minus strand). Cytogenetic location: Xp21.1.
Variant type: single nucleotide variant.
Coding change: c.917A>C on transcript NM_004006.3 (MANE Select); coding-DNA position 917, A replaced by C.
Protein change: p.Tyr306Ser; replaces tyrosine 306 with serine.
Molecular consequence: missense variant.
Genome position (GRCh38, 1-based): chrX:32,697,913, T>G on the plus strand (A>C on the coding strand, the complement: DMD is on the minus strand). VCF-style: chrX-32697913-T-G. GRCh37 (hg19) VCF-style: chrX-32716030-T-G.
Other names: c.893A>C, p.Tyr298Ser (NM_000109.4); c.905A>C, p.Tyr302Ser (NM_004009.3); c.548A>C, p.Tyr183Ser (NM_004010.3); short protein forms Y183S, Y298S, Y302S, Y306S.
Identifiers: ClinVar variation 1339077 (VCV001339077.3), dbSNP rs2147581077, ClinGen allele CA412668501.

ClinVar aggregate classification (germline): Uncertain significance. Review status: criteria provided, multiple submitters, no conflicts (2 of 4 stars). 2 submissions from 2 submitters: Uncertain significance (2). Last evaluated 2025-10-18.

Conditions:
Becker muscular dystrophy (BMD). Also called: MUSCULAR DYSTROPHY, PSEUDOHYPERTROPHIC PROGRESSIVE, BECKER TYPE; Becker Muscular Dystrophy (BMD). Identifiers: Orphanet 98895, MedGen C0917713, MONDO:0010311, OMIM 300376.
Duchenne muscular dystrophy (DMD). Also called: MUSCULAR DYSTROPHY, PSEUDOHYPERTROPHIC PROGRESSIVE, DUCHENNE TYPE; Duchenne Muscular Dystrophy (DMD). Identifiers: Orphanet 98896, MedGen C0013264, MONDO:0010679, OMIM 310200.

gnomAD v4.1: 2 of 1,209,485 alleles (0.00017%); highest among the groups gnomAD compares: South Asian, 0.0035%; no homozygotes.

Submissions (2):

Labcorp Genetics (formerly Invitae), Labcorp
Classification: Uncertain significance for Duchenne muscular dystrophy. Last evaluated: 2025-10-18. Review status: criteria provided, single submitter. Criteria: Invitae Variant Classification Sherloc (09022015). Collection method: clinical testing. Allele origin: germline.
Comment: This sequence change replaces tyrosine, which is neutral and polar, with serine, which is neutral and polar, at codon 306 of the DMD protein (p.Tyr306Ser). This variant is not present in population databases (gnomAD no frequency). This variant has not been reported in the literature in individuals affected with DMD-related conditions. ClinVar contains an entry for this variant (Variation ID: 1339077). Invitae Evidence Modeling of protein sequence and biophysical properties (such as structural, functional, and spatial information, amino acid conservation, physicochemical variation, residue mobility, and thermodynamic stability) indicates that this missense variant is not expected to disrupt DMD protein function with a negative predictive value of 95%. In summary, the available evidence is currently insufficient to determine the role of this variant in disease. Therefore, it has been classified as a Variant of Uncertain Significance.

Neuberg Centre For Genomic Medicine, NCGM
Classification: Uncertain significance for Becker muscular dystrophy. Review status: criteria provided, single submitter. Criteria: ACMG Guidelines, 2015. Collection method: clinical testing. Allele origin: germline. Affected: yes.
Comment: The missense variant p.Y306S in DMD (NM_004006.2) has not been reported previously as a pathogenic variant nor as a benign variant, to our knowledge. The p.Y306S variant is novel (not in any individuals) in gnomAD Exomes and is novel (not in any individuals) in 1000 Genomes. There is a large physicochemical difference between tyrosine and serine, which is likely to impact secondary protein structure as these residues differ in polarity, charge, size and/or other properties. In silico predictions are contradictory (SIFT-damaging, Polyphen-2-Tolerated) and the residue is conserved across species. For these reasons, this variant has been classified as Uncertain Significance.